The following is an entry in ClinVar:

ClinVar aggregate classification (germline): Uncertain significance (1 of 4 stars; one submission).

Conditions:
Hereditary pheochromocytoma and paraganglioma. Also called: Hereditary Paraganglioma-Pheochromocytoma Syndromes; Hereditary pheochromocytoma-paraganglioma; Hereditary paragangliomas and pheochromocytomas. Identifiers: Orphanet 29072, MedGen C4274332, MONDO:0017366.

Allele frequency attached by ClinVar (database versions not stated): gnomAD exomes below 0.00001.
gnomAD v4.1: 1 of 1,614,208 alleles (0.000062%); highest among the groups gnomAD compares: South Asian, 0.0011%; no homozygotes.

Submission:

Labcorp Genetics (formerly Invitae), Labcorp
Classification: Uncertain significance for Hereditary pheochromocytoma and paraganglioma. Last evaluated: 2024-01-11. Review status: criteria provided, single submitter. Criteria: Invitae Variant Classification Sherloc (09022015). Collection method: clinical testing. Allele origin: germline.
Comment: This sequence change replaces glutamine, which is neutral and polar, with proline, which is neutral and non-polar, at codon 44 of the SDHAF2 protein (p.Gln44Pro). This variant is not present in population databases (gnomAD no frequency). This variant has not been reported in the literature in individuals affected with SDHAF2-related conditions. An algorithm developed to predict the effect of missense changes on protein structure and function (PolyPhen-2) suggests that this variant is likely to be tolerated. In summary, the available evidence is currently insufficient to determine the role of this variant in disease. Therefore, it has been classified as a Variant of Uncertain Significance.

NM_017841.4(SDHAF2):c.131A>C (p.Gln44Pro)

Gene: SDHAF2 (succinate dehydrogenase complex assembly factor 2; plus strand). Cytogenetic location: 11q12.2.
Variant type: single nucleotide variant.
Coding change: c.131A>C on transcript NM_017841.4 (MANE Select); coding-DNA position 131, A replaced by C.
Protein change: p.Gln44Pro; replaces glutamine 44 with proline.
Molecular consequence: missense variant.
Genome position (GRCh38, 1-based): chr11:61,437,719, A>C. VCF-style: chr11-61437719-A-C. GRCh37 (hg19) VCF-style: chr11-61205191-A-C.
Other names: short protein forms Q44P.
Identifiers: ClinVar variation 2804190 (VCV002804190.3), dbSNP rs2540124170, ClinGen allele CA380683228.